The following is an entry in ClinVar:

NM_198834.3(ACACA):c.6593G>A (p.Arg2198Gln)

Gene: ACACA (acetyl-CoA carboxylase alpha; minus strand). Cytogenetic location: 17q12.
Variant type: single nucleotide variant.
Coding change: c.6593G>A on transcript NM_198834.3 (MANE Select); coding-DNA position 6593, G replaced by A.
Protein change: p.Arg2198Gln; replaces arginine 2198 with glutamine.
Molecular consequence: missense variant.
Genome position (GRCh38, 1-based): chr17:37,097,957, C>T on the plus strand (G>A on the coding strand, the complement: ACACA is on the minus strand). VCF-style: chr17-37097957-C-T. GRCh37 (hg19) VCF-style: chr17-35454892-C-T.
Other names: c.6482G>A, p.Arg2161Gln (NM_198836.3, NM_198839.3); c.6308G>A, p.Arg2103Gln (NM_198837.2); c.6248G>A, p.Arg2083Gln (NM_198838.2); short protein forms R2103Q, R2083Q, R2161Q, R2198Q.
Identifiers: ClinVar variation 1900468 (VCV001900468.6), dbSNP rs149967550, ClinGen allele CA8514593.

ClinVar aggregate classification (germline): Uncertain significance. Review status: criteria provided, multiple submitters, no conflicts (2 of 4 stars). 2 submissions from 2 submitters: Uncertain significance (2). Last evaluated 2025-12-03.

Conditions:
Acetyl-CoA: carboxylase deficiency (ACACAD). Also called: Acetyl-CoA carboxylase deficiency; ACACA DEFICIENCY; ACC1 DEFICIENCY. Identifiers: MedGen C0268603, MONDO:0013493, OMIM 613933.

Allele frequency attached by ClinVar (database versions not stated): TOPMed 0.00008; gnomAD 0.00011; gnomAD exomes 0.00013; ESP Exome Variant Server 0.00015; ExAC 0.00021.
gnomAD v4.1: 206 of 1,614,070 alleles (0.013%); highest among the groups gnomAD compares: Non-Finnish European, 0.014%; no homozygotes.

Submissions (2):

Labcorp Genetics (formerly Invitae), Labcorp
Classification: Uncertain significance. Last evaluated: 2025-12-03. Review status: criteria provided, single submitter. Criteria: Invitae Variant Classification Sherloc (09022015). Collection method: clinical testing. Allele origin: germline.
Comment: This sequence change replaces arginine, which is basic and polar, with glutamine, which is neutral and polar, at codon 2161 of the ACACA protein (p.Arg2161Gln). This variant is present in population databases (rs149967550, gnomAD 0.09%), and has an allele count higher than expected for a pathogenic variant. This variant has not been reported in the literature in individuals affected with ACACA-related conditions. ClinVar contains an entry for this variant (Variation ID: 1900468). An algorithm developed to predict the effect of missense changes on protein structure and function (PolyPhen-2) suggests that this variant is likely to be tolerated. In summary, the available evidence is currently insufficient to determine the role of this variant in disease. Therefore, it has been classified as a Variant of Uncertain Significance.

Department of Pathology and Laboratory Medicine, Sinai Health System
Classification: Uncertain significance for acetyl-coa carboxylase deficiency. Last evaluated: 2021-09-02. Review status: criteria provided, single submitter. Criteria: ACMG Guidelines, 2015. Collection method: research. Allele origin: germline.